The following is an entry in ClinVar:

NM_001684.5(ATP2B4):c.548G>A (p.Arg183His)

Gene: ATP2B4 (ATPase plasma membrane Ca2+ transporting 4; plus strand). Cytogenetic location: 1q32.1.
Variant type: single nucleotide variant.
Coding change: c.548G>A on transcript NM_001684.5 (MANE Select); coding-DNA position 548, G replaced by A.
Protein change: p.Arg183His; replaces arginine 183 with histidine.
Molecular consequence: missense variant.
Genome position (GRCh38, 1-based): chr1:203,699,616, G>A. VCF-style: chr1-203699616-G-A. GRCh37 (hg19) VCF-style: chr1-203668744-G-A.
Other names: c.548G>A, p.Arg183His (NM_001001396.3, NM_001365783.2, NM_001365784.2); short protein forms R183H.
Identifiers: ClinVar variation 4706789 (VCV004706789.1).

ClinVar aggregate classification (germline): Uncertain significance (1 of 4 stars; one submission).

gnomAD v4.1: 228 of 1,614,108 alleles (0.014%); highest among the groups gnomAD compares: Non-Finnish European, 0.018%; no homozygotes.

Submission:

Labcorp Genetics (formerly Invitae), Labcorp
Classification: Uncertain significance. Last evaluated: 2025-09-20. Review status: criteria provided, single submitter. Criteria: Invitae Variant Classification Sherloc (09022015). Collection method: clinical testing. Allele origin: germline.
Comment: This sequence change replaces arginine, which is basic and polar, with histidine, which is basic and polar, at codon 183 of the ATP2B4 protein (p.Arg183His). This variant is present in population databases (rs199621401, gnomAD 0.02%). This variant has not been reported in the literature in individuals affected with ATP2B4-related conditions. Invitae Evidence Modeling of protein sequence and biophysical properties (such as structural, functional, and spatial information, amino acid conservation, physicochemical variation, residue mobility, and thermodynamic stability) indicates that this missense variant is not expected to disrupt ATP2B4 protein function with a negative predictive value of 80%. In summary, the available evidence is currently insufficient to determine the role of this variant in disease. Therefore, it has been classified as a Variant of Uncertain Significance.